The following is an entry in ClinVar:

ClinVar aggregate classification (germline): Uncertain significance (1 of 4 stars; one submission).

Conditions:
Inborn genetic diseases. Identifiers: MedGen C0950123, MeSH D030342.

gnomAD v4.1: 7 of 1,614,050 alleles (0.00043%); highest among the groups gnomAD compares: Non-Finnish European, 0.00059%; no homozygotes.

Submission:

Ambry Genetics
Classification: Uncertain significance for Inborn genetic diseases. Last evaluated: 2026-03-27. Review status: criteria provided, single submitter. Criteria: Ambry Variant Classification Scheme 2023. Collection method: clinical testing. Allele origin: germline.
Comment: The c.3140C>G (p.A1047G) alteration is located in exon 5 (coding exon 4) of the NSD1 gene. This alteration results from a C to G substitution at nucleotide position 3140, causing the alanine (A) at amino acid position 1047 to be replaced by a glycine (G). Based on data from gnomAD, the G allele has an overall frequency of <0.001% (1/250420) total alleles studied. The highest observed frequency was 0.001% (1/112980) of European (non-Finnish) alleles. Based on insufficient or conflicting evidence, the clinical significance of this alteration remains unclear.

NM_022455.5(NSD1):c.3140C>G (p.Ala1047Gly)

Gene: NSD1 (nuclear receptor binding SET domain protein 1; plus strand). Cytogenetic location: 5q35.3.
Variant type: single nucleotide variant.
Coding change: c.3140C>G on transcript NM_022455.5 (MANE Select); coding-DNA position 3140, C replaced by G.
Protein change: p.Ala1047Gly; replaces alanine 1047 with glycine.
Molecular consequence: missense variant.
Genome position (GRCh38, 1-based): chr5:177,211,539, C>G. VCF-style: chr5-177211539-C-G. GRCh37 (hg19) VCF-style: chr5-176638540-C-G.
Other names: c.2267C>G, p.Ala756Gly (NM_001365684.2, NM_001409306.1, NM_001409307.1 and 3 more transcripts); c.3140C>G, p.Ala1047Gly (NM_001409301.1, NM_001409302.1, NM_001409303.1); c.2720C>G, p.Ala907Gly (NM_001409304.1); c.2387C>G, p.Ala796Gly (NM_001409305.1); short protein forms A1047G, A756G, A796G, A907G.
Identifiers: ClinVar variation 4861200 (VCV004861200.1).
Genomic context (GRCh38, chr5:177,211,539, plus strand): 5'-CATCCAAATTGCGAGATGCTTTTTCAGCCCAAATGGTAAAGAACACAGTGAACCGTAAAG[C>G]CTTAAAGACCGAGCGCAAAAGAAAACTGAATCAGCTTCCAAGTGTGACTCTTGATGCTGT-3'
Protein context (NP_071900.2, residues 1037-1057): QMVKNTVNRK[Ala1047Gly]LKTERKRKLN